The following is an entry in ClinVar:

NM_004999.4(MYO6):c.2286+8T>C

Gene: MYO6 (myosin VI; plus strand). Cytogenetic location: 6q14.1.
Variant type: single nucleotide variant.
Coding change: c.2286+8T>C on transcript NM_004999.4 (MANE Select); 8 bases into the intron after coding-DNA position 2286, T replaced by C.
Molecular consequence: intron variant.
Genome position (GRCh38, 1-based): chr6:75,880,128, T>C. VCF-style: chr6-75880128-T-C. GRCh37 (hg19) VCF-style: chr6-76589845-T-C.
Other names: c.2286+8T>C (NM_001368865.1, NM_001368866.1, NM_001368137.1 and 2 more transcripts); c.2271+8T>C (NM_001368138.1).
Identifiers: ClinVar variation 505187 (VCV000505187.7), dbSNP rs780274416, ClinGen allele CA3897338.

ClinVar aggregate classification (germline): Likely benign. Review status: criteria provided, multiple submitters, no conflicts (2 of 4 stars). 2 submissions from 2 submitters: Likely benign (2). Last evaluated 2023-06-15.

Allele frequency attached by ClinVar (database versions not stated): gnomAD 0.00001; gnomAD exomes 0.00001 and 0.00002; TOPMed 0.00001; ExAC 0.00002.

Submissions (2):

Labcorp Genetics (formerly Invitae), Labcorp
Classification: Likely benign. Last evaluated: 2023-06-15. Review status: criteria provided, single submitter. Criteria: Invitae Variant Classification Sherloc (09022015). Collection method: clinical testing. Allele origin: germline.

Laboratory for Molecular Medicine, Mass General Brigham Personalized Medicine
Classification: Likely benign. Last evaluated: 2016-06-23. Review status: criteria provided, single submitter. Criteria: LMM Criteria. Collection method: clinical testing. Allele origin: germline. Observed: 1 variant allele.
Comment: c.2286+8T>C in intron 22 of MYO6: This variant is not expected to have clinical significance because it is not located within the splice consensus sequence. It has been identified in 2/44268 European chromosomes by the Exome Aggregation Co nsortium (ExAC; dbSNP rs780274416).